The following is an entry in ClinVar:

NM_000053.4(ATP7B):c.2973G>A (p.Thr991=)

Gene: ATP7B (ATPase copper transporting beta; minus strand). Cytogenetic location: 13q14.3.
Variant type: single nucleotide variant.
Coding change: c.2973G>A on transcript NM_000053.4 (MANE Select); coding-DNA position 2973, G replaced by A.
Protein change: p.Thr991=; no amino-acid change (threonine 991 retained).
Molecular consequence: synonymous variant.
Genome position (GRCh38, 1-based): chr13:51,946,371, C>T on the plus strand (G>A on the coding strand, the complement: ATP7B is on the minus strand). VCF-style: chr13-51946371-C-T. GRCh37 (hg19) VCF-style: chr13-52520507-C-T.
Other names: p.Thr991=; c.2352G>A, p.Thr784= (NM_001005918.3); c.2640G>A, p.Thr880= (NM_001243182.2); c.2739G>A, p.Thr913= (NM_001330578.2); c.2721G>A, p.Thr907= (NM_001330579.2).
Identifiers: ClinVar variation 35713 (VCV000035713.44), dbSNP rs1801246, ClinGen allele CA145679.

ClinVar aggregate classification (germline): Benign/Likely benign. Review status: criteria provided, multiple submitters, no conflicts (2 of 4 stars). 19 submissions from 19 submitters: Benign (14); Likely benign (1). 4 of the submissions do not count toward it. Last evaluated 2026-02-04.

Conditions:
Inborn genetic diseases. Identifiers: MedGen C0950123, MeSH D030342.
Wilson disease (WND). Also called: Wilson's disease. Identifiers: Orphanet 905, MedGen C0019202, MONDO:0010200, OMIM 277900. Disease mechanism: loss of function.

Allele frequency attached by ClinVar (database versions not stated): 1000 Genomes Project 0.02496; 1000 Genomes Project 30x 0.02561; gnomAD 0.04843 and 0.04852; TOPMed 0.04524; ESP Exome Variant Server 0.05290; gnomAD exomes 0.05375; ExAC 0.05802.
gnomAD v4.1: 108,097 of 1,613,402 alleles (6.7%); highest among the groups gnomAD compares: Non-Finnish European, 7.7%; 4,202 homozygotes.

Submissions (19):

Labcorp Genetics (formerly Invitae), Labcorp
Classification: Benign for Wilson disease. Last evaluated: 2026-02-04. Review status: criteria provided, single submitter. Criteria: Invitae Variant Classification Sherloc (09022015). Collection method: clinical testing. Allele origin: germline.

Blueprint Genetics
Classification: Likely benign. Last evaluated: 2024-11-27. Review status: criteria provided, single submitter. Criteria: ACMG Guidelines, 2015. Collection method: clinical testing. Allele origin: germline.

All of Us Research Program, National Institutes of Health
Classification: Benign for Wilson disease. Last evaluated: 2024-02-05. Review status: criteria provided, single submitter. Criteria: ACMG Guidelines, 2015. Collection method: clinical testing. Allele origin: germline. Inheritance: Autosomal recessive inheritance. Observed: 13,540 variant alleles, 13,018 heterozygotes, 522 homozygotes.
Comment: This study involves interpretation of variants in research participants for the purpose of population health screening. Participant phenotype was not available at the time of variant classification. Additional details can be found in publication PMID: 35346344, PMCID: PMC8962531

Mayo Clinic Laboratories, Mayo Clinic
Classification: Benign. Last evaluated: 2022-03-24. Review status: criteria provided, single submitter. Criteria: ACMG Guidelines, 2015. Collection method: clinical testing. Allele origin: germline. Observed: 309 variant alleles.

ARUP Laboratories, Molecular Genetics and Genomics, ARUP Laboratories
Classification: Benign for Wilson disease. Last evaluated: 2022-03-01. Review status: criteria provided, single submitter. Criteria: ARUP Molecular Germline Variant Investigation Process 2021. Collection method: clinical testing. Allele origin: germline.

Genome-Nilou Lab
Classification: Benign for Wilson disease. Last evaluated: 2021-07-01. Review status: criteria provided, single submitter. Criteria: ACMG Guidelines, 2015. Collection method: clinical testing. Allele origin: germline. Affected: no.

Color Diagnostics, LLC DBA Color Health
Classification: Benign for Wilson disease. Last evaluated: 2019-03-28. Review status: criteria provided, single submitter. Criteria: ACMG Guidelines, 2015. Collection method: clinical testing. Allele origin: germline.

Illumina Laboratory Services, Illumina
Classification: Benign for Wilson disease. Last evaluated: 2018-01-12. Review status: criteria provided, single submitter. Criteria: ICSL Variant Classification Criteria 13 December 2019. Collection method: clinical testing. Allele origin: germline.
Comment: This variant was observed in the ICSL laboratory as part of a predisposition screen in an ostensibly healthy population. It had not been previously curated by ICSL or reported in the Human Gene Mutation Database (HGMD: prior to June 1st, 2018), and was therefore a candidate for classification through an automated scoring system. Utilizing variant allele frequency, disease prevalence and penetrance estimates, and inheritance mode, an automated score was calculated to assess if this variant is too frequent to cause the disease. Based on the score and internal cut-off values, a variant classified as benign is not then subjected to further curation. The score for this variant resulted in a classification of benign for this disease.

Ambry Genetics
Classification: Benign for Inborn genetic diseases. Last evaluated: 2016-08-10. Review status: criteria provided, single submitter. Criteria: Ambry Variant Classification Scheme 2023. Collection method: clinical testing. Allele origin: germline.

GeneDx
Classification: Benign. Last evaluated: 2016-01-29. Review status: criteria provided, single submitter. Criteria: GeneDx Variant Classification (06012015). Collection method: clinical testing. Allele origin: germline. Affected: yes.
Comment: This variant is considered likely benign or benign based on one or more of the following criteria: it is a conservative change, it occurs at a poorly conserved position in the protein, it is predicted to be benign by multiple in silico algorithms, and/or has population frequency not consistent with disease.

Genetic Services Laboratory, University of Chicago
Classification: Benign. Last evaluated: 2013-02-08. Review status: criteria provided, single submitter. Criteria: ACMG Guidelines, 2007. Collection method: clinical testing. Allele origin: germline. Inheritance: Autosomal recessive inheritance.

Eurofins Ntd Llc (ga)
Classification: Benign. Last evaluated: 2013-01-28. Review status: criteria provided, single submitter. Criteria: EGL Classification Definitions 2015. Collection method: clinical testing. Allele origin: germline. Observed: 2 variant alleles, 2 heterozygotes.

Women's Health and Genetics/Laboratory Corporation of America, LabCorp
Classification: Benign for Wilson Disease. Last evaluated: 2011-08-18. Review status: criteria provided, single submitter. Criteria: LabCorp Variant Classification Summary - May 2015. Collection method: clinical testing. Allele origin: germline. Inheritance: autosomal unknown.
ClinVar note: Converted during submission from benign to Benign.

Breakthrough Genomics
Classification: Benign. Review status: criteria provided, single submitter. Criteria: ACMG Guidelines, 2015. Collection method: not provided. Allele origin: germline. Inheritance: Autosomal recessive inheritance. Affected: yes.

PreventionGenetics, part of Exact Sciences
Classification: Benign. Review status: criteria provided, single submitter. Criteria: ACMG Guidelines, 2015. Collection method: clinical testing. Allele origin: germline.

Natera, Inc.
Classification: Benign for Wilson disease. Last evaluated: 2020-09-16. Review status: no assertion criteria provided. Collection method: clinical testing. Allele origin: germline. Not counted in ClinVar's aggregate classification.

Clinical Genetics, Academic Medical Center
Classification: Benign. Review status: no assertion criteria provided. Collection method: clinical testing. Allele origin: germline. Affected: yes. Study: VKGL Data-share Consensus. Not counted in ClinVar's aggregate classification.

Genome Diagnostics Laboratory, Amsterdam University Medical Center
Classification: Benign. Review status: no assertion criteria provided. Collection method: clinical testing. Allele origin: germline. Affected: yes. Study: VKGL Data-share Consensus. Not counted in ClinVar's aggregate classification.

Genome Diagnostics Laboratory, University Medical Center Utrecht
Classification: Benign. Review status: no assertion criteria provided. Collection method: clinical testing. Allele origin: germline. Affected: yes. Study: VKGL Data-share Consensus. Not counted in ClinVar's aggregate classification.

Literature cited by the submitters: PubMed 16088907 (cited by Women's Health and Genetics/Laboratory Corporation of America, LabCorp); PubMed 9311736 (cited by Women's Health and Genetics/Laboratory Corporation of America, LabCorp); PubMed 8533760 (cited by Women's Health and Genetics/Laboratory Corporation of America, LabCorp); PubMed 15952988 (cited by Women's Health and Genetics/Laboratory Corporation of America, LabCorp); PubMed 17823867 (cited by Women's Health and Genetics/Laboratory Corporation of America, LabCorp); PubMed 9801873 (cited by Women's Health and Genetics/Laboratory Corporation of America, LabCorp); PubMed 8938442 (cited by Women's Health and Genetics/Laboratory Corporation of America, LabCorp); PubMed 7626145 (cited by Women's Health and Genetics/Laboratory Corporation of America, LabCorp); PubMed 10502777 (cited by Women's Health and Genetics/Laboratory Corporation of America, LabCorp); PubMed 17300695 (cited by Women's Health and Genetics/Laboratory Corporation of America, LabCorp).